The following is an entry in ClinVar:

ClinVar aggregate classification (germline): Uncertain significance (1 of 4 stars; one submission).

Conditions:
Intellectual developmental disorder, X-linked 30. Also called: MENTAL RETARDATION, X-LINKED 47; Intellectual disability, X-linked 30. Identifiers: Orphanet 777, MedGen C0796237, MONDO:0010361, OMIM 300558.

Submission:

MVZ Medizinische Genetik Mainz
Classification: Uncertain significance for Intellectual developmental disorder, X-linked 30. Last evaluated: 2023-01-19. Review status: criteria provided, single submitter. Criteria: UK Practice Guidelines For Variant Classification V4 01 2020. Collection method: clinical testing. Allele origin: germline. Inheritance: X-linked recessive inheritance. Affected: yes. Observed: 1 variant allele.
Comment: ACMG Criteria: PM2_SUP,PP2,PP3

NM_002578.5(PAK3):c.235_236delinsGA (p.Thr79Glu)

Gene: PAK3 (p21 (RAC1) activated kinase 3; plus strand). Cytogenetic location: Xq23.
Variant type: Indel.
Coding change: c.235_236delinsGA on transcript NM_002578.5 (MANE Select); coding-DNA positions 235 to 236, AC replaced by GA.
Protein change: p.Thr79Glu; replaces threonine 79 with glutamic acid.
Molecular consequence: missense variant. On other transcripts: non-coding transcript variant (2).
Genome position (GRCh38, 1-based): chrX:111,142,155-111,142,156, AC replaced by GA. VCF-style: chrX-111142155-AC-GA. GRCh37 (hg19) VCF-style: chrX-110385383-AC-GA.
Other names: c.235_236delinsGA, p.Thr79Glu (NM_001128166.3, NM_001128167.3, NM_001128168.3 and 12 more transcripts); short protein forms T79E.
Identifiers: ClinVar variation 3236148 (VCV003236148.1), dbSNP rs2523367963, ClinGen allele CA2825002924.